The following is an entry in ClinVar:

NM_004360.5(CDH1):c.1321-10T>C

Gene: CDH1 (cadherin 1; plus strand). Cytogenetic location: 16q22.1.
Variant type: single nucleotide variant.
Coding change: c.1321-10T>C on transcript NM_004360.5 (MANE Select); 10 bases into the intron before coding-DNA position 1321, T replaced by C.
Molecular consequence: intron variant.
Genome position (GRCh38, 1-based): chr16:68,815,505, T>C. VCF-style: chr16-68815505-T-C. GRCh37 (hg19) VCF-style: chr16-68849408-T-C.
Other names: c.-228-10T>C (NM_001317185.2); c.-499-10T>C (NM_001317186.2); c.1138-10T>C (NM_001317184.2).
Identifiers: ClinVar variation 751168 (VCV000751168.11), dbSNP rs1597897718, ClinGen allele CA915949309.

ClinVar aggregate classification (germline): Likely benign. Review status: criteria provided, multiple submitters, no conflicts (2 of 4 stars). 3 submissions from 3 submitters: Likely benign (3). Last evaluated 2025-12-06.

Conditions:
Hereditary diffuse gastric adenocarcinoma (HDGC). Also called: DIFFUSE GASTRIC AND LOBULAR BREAST CANCER SYNDROME. Identifiers: Orphanet 26106, MedGen C1708349, MONDO:0007648, OMIM 137215.

Allele frequency attached by ClinVar (database versions not stated): gnomAD exomes below 0.00001; TOPMed 0.00001.
gnomAD v4.1: 2 of 1,614,242 alleles (0.00012%); highest among the groups gnomAD compares: African/African-American, 0.0027%; no homozygotes.

Submissions (3):

Labcorp Genetics (formerly Invitae), Labcorp
Classification: Likely benign for Hereditary diffuse gastric adenocarcinoma. Last evaluated: 2025-12-06. Review status: criteria provided, single submitter. Criteria: Invitae Variant Classification Sherloc (09022015). Collection method: clinical testing. Allele origin: germline.

Myriad Genetics, Inc.
Classification: Likely benign for Hereditary diffuse gastric adenocarcinoma. Last evaluated: 2024-09-18. Review status: criteria provided, single submitter. Criteria: Myriad Autosomal Dominant, Autosomal Recessive and X-Linked Classification Criteria (2023). Collection method: clinical testing. Allele origin: unknown.
Comment: This variant is considered likely benign. This variant is intronic and is not expected to impact mRNA splicing.

GeneDx
Classification: Likely benign. Last evaluated: 2020-09-08. Review status: criteria provided, single submitter. Criteria: GeneDx Variant Classification Process June 2021. Collection method: clinical testing. Allele origin: germline. Affected: yes.